The following is an entry in ClinVar:

NM_004380.3(CREBBP):c.3779+2dup

Gene: CREBBP (CREB binding lysine acetyltransferase; minus strand). Cytogenetic location: 16p13.3.
Variant type: Duplication.
Coding change: c.3779+2dup on transcript NM_004380.3 (MANE Select); the canonical splice donor site of the intron after coding-DNA position 3779, one base duplicated (T; older notation c.3779+2dupT).
Molecular consequence: splice donor variant.
Genome position (GRCh38, 1-based): chr16:3,751,724, A duplicated on the plus strand (T on the coding strand, the reverse complement: CREBBP is on the minus strand). VCF-style (leftmost placement, unchanged base first): chr16-3751723-T-TA. GRCh37 (hg19) VCF-style: chr16-3801724-T-TA.
Other names: c.3665+2dup (NM_001079846.1); c.3779+2dup (NM_004380.2).
Identifiers: ClinVar variation 3777191 (VCV003777191.1).

ClinVar aggregate classification (germline): Likely pathogenic (1 of 4 stars; one submission).

Conditions:
Menke-Hennekam syndrome 1 (MKHK1). Identifiers: MedGen C5193034, MONDO:0020763, OMIM 618332.
Rubinstein-Taybi syndrome due to CREBBP mutations (RSTS1). Also called: BROAD THUMBS AND GREAT TOES, CHARACTERISTIC FACIES, AND IMPAIRED INTELLECTUAL DEVELOPMENT; BROAD THUMB-HALLUX SYNDROME; RUBINSTEIN-TAYBI SYNDROME 1, INCOMPLETE; Rubinstein-Taybi syndrome 1; CREBBP-Related Rubinstein-Taybi Syndrome; RUBINSTEIN SYNDROME. Identifiers: Orphanet 353277, Orphanet 783, MedGen C4551859, MONDO:0008393, OMIM 180849.

Submission:

University of Washington Department of Laboratory Medicine, University of Washington
Classification: Likely pathogenic for Rubinstein-Taybi syndrome due to CREBBP mutations; Menke-Hennekam syndrome 1. Last evaluated: 2022-11-02. Review status: criteria provided, single submitter. Criteria: ACMG Guidelines, 2015. Collection method: clinical testing. Allele origin: de novo. Affected: yes.
Comment: This variant and was absent from large population databases, including the Genome Aggregation Database. Functional studies have demonstrated that another variant that affects the same nucleotide as c.3779+2dup (c.3779+3A>T) leads to skipping of exon 20 of the CREBBP protein (Dauwerse 2016). The c.3779+2dup variant is located in a splicing region where other pathogenic and likely pathogenic variants have been reported. Using ACMG guidelines, this variant was classified as likely pathogenic for autosomal dominant Rubinstein-Taybi syndrome 1 (ACMG evidence codes used: PS2_moderate, PS3_moderate, PM1, PM2_supporting).